The following is an entry in ClinVar:

NM_206933.4(USH2A):c.14384T>G (p.Leu4795Arg)

Gene: USH2A (usherin; minus strand). Cytogenetic location: 1q41.
Variant type: single nucleotide variant.
Coding change: c.14384T>G on transcript NM_206933.4 (MANE Select); coding-DNA position 14384, T replaced by G.
Protein change: p.Leu4795Arg; replaces leucine 4795 with arginine.
Molecular consequence: missense variant.
Genome position (GRCh38, 1-based): chr1:215,648,726, A>C on the plus strand (T>G on the coding strand, the complement: USH2A is on the minus strand). VCF-style: chr1-215648726-A-C. GRCh37 (hg19) VCF-style: chr1-215822068-A-C.
Other names: short protein forms L4795R.
Identifiers: ClinVar variation 553162 (VCV000553162.15), dbSNP rs199851839, ClinGen allele CA37390459.
Genomic context (GRCh38, chr1:215,648,726, plus strand): 5'-CTGCAACAGTTGAAGCAGGTGCAGGCCTCTACTCCAATAGAGTAGTTAGTGAAGGCTTGA[A>C]GGCCATGGAGAGTCTGCTGGGTGGCCATGCCTTCGGATAGCTGTGGAAGGAAGGAAGGCT-3'
Protein context (NP_996816.3, residues 4785-4805): GMATQQTLHG[Leu4795Arg]QAFTNYSIGV

ClinVar aggregate classification (germline): Conflicting classifications of pathogenicity. Review status: criteria provided, conflicting classifications (1 of 4 stars). 7 submissions from 7 submitters: Pathogenic (3); Likely pathogenic (1); Uncertain significance (1). 2 of the submissions do not count toward it. Last evaluated 2024-10-31.

Conditions:
Retinal dystrophy. Also called: Inherited retinal dystrophy. Identifiers: Orphanet 71862, MedGen C0854723, MeSH D058499, MONDO:0019118, HP:0000556.
Usher syndrome type 2A. Also called: RETINAL DISEASE IN USHER SYNDROME TYPE IIA, MODIFIER OF; USHER SYNDROME, TYPE IIA. Identifiers: Orphanet 231178, Orphanet 886, MedGen C1848634, MONDO:0010169, OMIM 276901.
Retinitis pigmentosa 39 (RP39). Identifiers: Orphanet 791, MedGen C3151138, MONDO:0013436, OMIM 613809.
USH2A-related disorder. Also called: USH2A-related disorders; USH2A-related condition. Identifiers: MedGen CN239332.

Allele frequency attached by ClinVar (database versions not stated): TOPMed below 0.00001; gnomAD exomes 0.00001.
gnomAD v4.1: 6 of 1,614,196 alleles (0.00037%); highest among the groups gnomAD compares: Non-Finnish European, 0.00051%; no homozygotes.

Submissions (7):

Labcorp Genetics (formerly Invitae), Labcorp
Classification: Pathogenic. Last evaluated: 2024-10-31. Review status: criteria provided, single submitter. Criteria: Invitae Variant Classification Sherloc (09022015). Collection method: clinical testing. Allele origin: germline.
Comment: This sequence change replaces leucine, which is neutral and non-polar, with arginine, which is basic and polar, at codon 4795 of the USH2A protein (p.Leu4795Arg). This variant is present in population databases (rs199851839, gnomAD 0.002%). This missense change has been observed in individuals with autosomal recessive retinitis pigmentosa and/or Usher syndrome (PMID: 18273898, 27957503, 34203967; internal data). ClinVar contains an entry for this variant (Variation ID: 553162). Invitae Evidence Modeling of protein sequence and biophysical properties (such as structural, functional, and spatial information, amino acid conservation, physicochemical variation, residue mobility, and thermodynamic stability) indicates that this missense variant is expected to disrupt USH2A protein function with a positive predictive value of 95%. For these reasons, this variant has been classified as Pathogenic.

Baylor Genetics
Classification: Pathogenic for Retinitis pigmentosa 39. Last evaluated: 2024-01-16. Review status: criteria provided, single submitter. Criteria: ACMG Guidelines, 2015. Collection method: clinical testing. Allele origin: unknown.

GeneDx
Classification: Uncertain significance. Last evaluated: 2022-02-10. Review status: criteria provided, single submitter. Criteria: GeneDx Variant Classification Process June 2021. Collection method: clinical testing. Allele origin: germline. Affected: yes.
Comment: In silico analysis supports that this missense variant has a deleterious effect on protein structure/function; Not observed at significant frequency in large population cohorts (gnomAD); This variant is associated with the following publications: (PMID: 18273898, 27957503)

Institute of Human Genetics, Univ. Regensburg, Univ. Regensburg
Classification: Likely pathogenic for Retinal dystrophy. Last evaluated: 2022-01-01. Review status: criteria provided, single submitter. Criteria: ACMG Guidelines, 2015. Collection method: clinical testing. Allele origin: germline. Affected: yes.

Blueprint Genetics
Classification: Pathogenic for USH2A-related disorders. Last evaluated: 2020-02-24. Review status: criteria provided, single submitter. Criteria: ACMG Guidelines, 2015. Collection method: clinical testing. Allele origin: germline. Affected: yes. Observed: 4 variant alleles.

Counsyl
Classification: Uncertain significance for Usher syndrome type 2A; Retinitis pigmentosa 39. Last evaluated: 2017-07-31. Review status: no assertion criteria provided. Collection method: clinical testing. Allele origin: unknown. Not counted in ClinVar's aggregate classification.

Joint Genome Diagnostic Labs from Nijmegen and Maastricht, Radboudumc and MUMC+
Classification: Uncertain significance for Retinitis pigmentosa 39. Last evaluated: 2016-09-01. Review status: no assertion criteria provided. Collection method: clinical testing. Allele origin: unknown. Affected: yes. Observed: 1 variant allele. Not counted in ClinVar's aggregate classification.

Literature cited by the submitters: PubMed 18273898 (cited by 3 submitters); PubMed 27957503 (cited by Labcorp Genetics (formerly Invitae), Labcorp and Counsyl); PubMed 34203967 (cited by Labcorp Genetics (formerly Invitae), Labcorp and Institute of Human Genetics, Univ. Regensburg, Univ. Regensburg); PubMed 31964843 (cited by Institute of Human Genetics, Univ. Regensburg, Univ. Regensburg).